The following is an entry in ClinVar:

NM_001023570.4(IQCB1):c.1678A>G (p.Ile560Val)

Gene: IQCB1 (IQ motif containing B1; minus strand). Cytogenetic location: 3q13.33.
Variant type: single nucleotide variant.
Coding change: c.1678A>G on transcript NM_001023570.4 (MANE Select); coding-DNA position 1678, A replaced by G.
Protein change: p.Ile560Val; replaces isoleucine 560 with valine.
Molecular consequence: missense variant. On other transcripts: non-coding transcript variant (1).
Genome position (GRCh38, 1-based): chr3:121,770,464, T>C on the plus strand (A>G on the coding strand, the complement: IQCB1 is on the minus strand). VCF-style: chr3-121770464-T-C. GRCh37 (hg19) VCF-style: chr3-121489311-T-C.
Other names: c.1279A>G, p.Ile427Val (NM_001023571.4); c.1678A>G, p.Ile560Val (NM_001319107.2); short protein forms I427V, I560V.
Identifiers: ClinVar variation 2067930 (VCV002067930.1), dbSNP rs760745814, ClinGen allele CA2567036.

ClinVar aggregate classification (germline): Uncertain significance (1 of 4 stars; one submission).

Conditions:
Nephronophthisis. Also called: Juvenile Nephronophthisis. Identifiers: Orphanet 655, MedGen C0687120, MONDO:0019005, HP:0000090.

Allele frequency attached by ClinVar (database versions not stated): gnomAD exomes below 0.00001; TOPMed below 0.00001; ExAC 0.00001.
gnomAD v4.1: 4 of 1,614,250 alleles (0.00025%); highest among the groups gnomAD compares: Admixed American, 0.0033%; no homozygotes.

Submission:

Labcorp Genetics (formerly Invitae), Labcorp
Classification: Uncertain significance for Nephronophthisis. Last evaluated: 2022-04-29. Review status: criteria provided, single submitter. Criteria: Invitae Variant Classification Sherloc (09022015). Collection method: clinical testing. Allele origin: germline.
Comment: This sequence change replaces isoleucine, which is neutral and non-polar, with valine, which is neutral and non-polar, at codon 560 of the IQCB1 protein (p.Ile560Val). This variant is present in population databases (rs760745814, gnomAD 0.006%). This variant has not been reported in the literature in individuals affected with IQCB1-related conditions. Algorithms developed to predict the effect of missense changes on protein structure and function (SIFT, PolyPhen-2, Align-GVGD) all suggest that this variant is likely to be tolerated. In summary, the available evidence is currently insufficient to determine the role of this variant in disease. Therefore, it has been classified as a Variant of Uncertain Significance.